The following is an entry in ClinVar:

ClinVar aggregate classification (germline): Uncertain significance (1 of 4 stars; one submission).

Conditions:
Inborn genetic diseases. Identifiers: MedGen C0950123, MeSH D030342.

Submission:

Ambry Genetics
Classification: Uncertain significance for Inborn genetic diseases. Last evaluated: 2024-11-10. Review status: criteria provided, single submitter. Criteria: Ambry Variant Classification Scheme 2023. Collection method: clinical testing. Allele origin: germline.
Comment: The p.I1482L variant (also known as c.4444A>T), located in coding exon 31 of the LRRK2 gene, results from an A to T substitution at nucleotide position 4444. The isoleucine at codon 1482 is replaced by leucine, an amino acid with highly similar properties. This amino acid position is conserved. In addition, the in silico prediction for this alteration is inconclusive. Since supporting evidence is limited at this time, the clinical significance of this alteration remains unclear.

NM_198578.4(LRRK2):c.4444A>T (p.Ile1482Leu)

Gene: LRRK2 (leucine rich repeat kinase 2; plus strand). Cytogenetic location: 12q12.
Variant type: single nucleotide variant.
Coding change: c.4444A>T on transcript NM_198578.4 (MANE Select); coding-DNA position 4444, A replaced by T.
Protein change: p.Ile1482Leu; replaces isoleucine 1482 with leucine.
Molecular consequence: missense variant.
Genome position (GRCh38, 1-based): chr12:40,310,557, A>T. VCF-style: chr12-40310557-A-T. GRCh37 (hg19) VCF-style: chr12-40704359-A-T.
Other names: short protein forms I1482L.
Identifiers: ClinVar variation 1740645 (VCV001740645.3), dbSNP rs2499827842, ClinGen allele CA384418519.